The following is an entry in ClinVar:

ClinVar aggregate classification (germline): Benign/Likely benign. Review status: criteria provided, multiple submitters, no conflicts (2 of 4 stars). 7 submissions from 7 submitters: Benign (4); Likely benign (2). 1 of the submissions does not count toward it. Last evaluated 2026-02-02.

Conditions:
SUFU-related disorder. Also called: SUFU-related disorders; SUFU-related condition.
Hereditary cancer-predisposing syndrome. Also called: Neoplastic Syndromes, Hereditary; Hereditary Cancer Syndrome; Tumor predisposition; Hereditary neoplastic syndrome. Identifiers: Orphanet 140162, MedGen C0027672, MeSH D009386, MONDO:0015356.
Medulloblastoma (MDB). Also called: Medulloblastoma, somatic; MEDULLOBLASTOMA PREDISPOSITION SYNDROME. Identifiers: Orphanet 616, MedGen C0025149, MeSH D008527, MONDO:0007959, OMIM 155255, HP:0002885.
Gorlin syndrome. Also called: Nevoid Basal Cell Carcinoma Syndrome; Basal cell nevus syndrome. Identifiers: Orphanet 377, MedGen C0004779, MONDO:0007187.

Allele frequency attached by ClinVar (database versions not stated): gnomAD 0.00018 and 0.00025; TOPMed 0.00027; ExAC 0.00056; gnomAD exomes 0.00060; 1000 Genomes Project 30x 0.00078; 1000 Genomes Project 0.00100.
gnomAD v4.1: 384 of 1,614,130 alleles (0.024%); highest among the groups gnomAD compares: East Asian, 0.59%; 2 homozygotes.

Submissions (7):

Labcorp Genetics (formerly Invitae), Labcorp
Classification: Benign for Gorlin syndrome; Medulloblastoma. Last evaluated: 2026-02-02. Review status: criteria provided, single submitter. Criteria: Invitae Variant Classification Sherloc (09022015). Collection method: clinical testing. Allele origin: germline.

Women's Health and Genetics/Laboratory Corporation of America, LabCorp
Classification: Benign. Last evaluated: 2025-09-14. Review status: criteria provided, single submitter. Criteria: LabCorp Variant Classification Summary - May 2015. Collection method: clinical testing. Allele origin: germline.

Quest Diagnostics Nichols Institute San Juan Capistrano
Classification: Benign. Last evaluated: 2025-08-19. Review status: criteria provided, single submitter. Criteria: Quest Diagnostics criteria. Collection method: clinical testing. Allele origin: unknown.

Blueprint Genetics
Classification: Likely benign. Last evaluated: 2024-10-15. Review status: criteria provided, single submitter. Criteria: ACMG Guidelines, 2015. Collection method: clinical testing. Allele origin: germline.

Illumina Laboratory Services, Illumina
Classification: Likely benign for Medulloblastoma. Last evaluated: 2018-01-12. Review status: criteria provided, single submitter. Criteria: ICSL Variant Classification Criteria 13 December 2019. Collection method: clinical testing. Allele origin: germline.
Comment: This variant was observed in the ICSL laboratory as part of a predisposition screen in an ostensibly healthy population. It had not been previously curated by ICSL or reported in the Human Gene Mutation Database (HGMD: prior to June 1st, 2018), and was therefore a candidate for classification through an automated scoring system. Utilizing variant allele frequency, disease prevalence and penetrance estimates, and inheritance mode, an automated score was calculated to assess if this variant is too frequent to cause the disease. Based on the score and internal cut-off values, a variant classified as likely benign is not then subjected to further curation. The score for this variant resulted in a classification of likely benign for this disease.

Ambry Genetics
Classification: Benign for Hereditary cancer-predisposing syndrome. Last evaluated: 2016-11-01. Review status: criteria provided, single submitter. Criteria: Ambry Variant Classification Scheme 2023. Collection method: clinical testing. Allele origin: germline.

PreventionGenetics, part of Exact Sciences
Classification: Likely benign for SUFU-related condition. Last evaluated: 2024-08-03. Review status: no assertion criteria provided. Collection method: clinical testing. Allele origin: germline. Not counted in ClinVar's aggregate classification.
Comment: This variant is classified as likely benign based on ACMG/AMP sequence variant interpretation guidelines (Richards et al. 2015 PMID: 25741868, with internal and published modifications).

NM_016169.4(SUFU):c.1308C>T (p.Thr436=)

Gene: SUFU (SUFU negative regulator of hedgehog signaling; plus strand). Cytogenetic location: 10q24.32.
Variant type: single nucleotide variant.
Coding change: c.1308C>T on transcript NM_016169.4 (MANE Select); coding-DNA position 1308, C replaced by T.
Protein change: p.Thr436=; no amino-acid change (threonine 436 retained).
Molecular consequence: synonymous variant.
Genome position (GRCh38, 1-based): chr10:102,627,186, C>T. VCF-style: chr10-102627186-C-T. GRCh37 (hg19) VCF-style: chr10-104386943-C-T.
Identifiers: ClinVar variation 241082 (VCV000241082.23), dbSNP rs142029957, ClinGen allele CA5667978.